The following is an entry in ClinVar:

ClinVar aggregate classification (germline): Uncertain significance (1 of 4 stars; one submission).

Conditions:
Inborn genetic diseases. Identifiers: MedGen C0950123, MeSH D030342.

Submission:

Ambry Genetics
Classification: Uncertain significance for Inborn genetic diseases. Last evaluated: 2025-07-18. Review status: criteria provided, single submitter. Criteria: Ambry Variant Classification Scheme 2023. Collection method: clinical testing. Allele origin: germline.
Comment: The p.G202E variant (also known as c.605G>A), located in coding exon 5 of the FANCG gene, results from a G to A substitution at nucleotide position 605. The glycine at codon 202 is replaced by glutamic acid, an amino acid with similar properties. This amino acid position is conserved. In addition, this alteration is predicted to be tolerated by in silico analysis. Based on the available evidence, the clinical significance of this variant remains unclear.

NM_004629.2(FANCG):c.605G>A (p.Gly202Glu)

Gene: FANCG (FA complementation group G; minus strand). Cytogenetic location: 9p13.3.
Variant type: single nucleotide variant.
Coding change: c.605G>A on transcript NM_004629.2 (MANE Select); coding-DNA position 605, G replaced by A.
Protein change: p.Gly202Glu; replaces glycine 202 with glutamic acid.
Molecular consequence: missense variant.
Genome position (GRCh38, 1-based): chr9:35,077,305, C>T on the plus strand (G>A on the coding strand, the complement: FANCG is on the minus strand). VCF-style: chr9-35077305-C-T. GRCh37 (hg19) VCF-style: chr9-35077302-C-T.
Other names: short protein forms G202E.
Identifiers: ClinVar variation 4254450 (VCV004254450.1).
Genomic context (GRCh38, chr9:35,077,305, plus strand): 5'-AGTCAGGTTGCTAGCTGACCTTGGCGGTAGGCAAATGCTGTCAGGAGGACATCCTTCAAT[C>T]CCTGGGCATCCTGCAGGGTCAATGGAGCATCTAATTCCTCAGCTGGGGGACTCCAAGTTT-3'
Protein context (NP_004620.1, residues 192-212): DAPLTLQDAQ[Gly202Glu]LKDVLLTAFA